The following is an entry in ClinVar:

NM_004415.4(DSP):c.3506A>C (p.Tyr1169Ser)

Gene: DSP (desmoplakin; plus strand). Cytogenetic location: 6p24.3.
Variant type: single nucleotide variant.
Coding change: c.3506A>C on transcript NM_004415.4 (MANE Select); coding-DNA position 3506, A replaced by C.
Protein change: p.Tyr1169Ser; replaces tyrosine 1169 with serine.
Molecular consequence: missense variant.
Genome position (GRCh38, 1-based): chr6:7,579,696, A>C. VCF-style: chr6-7579696-A-C. GRCh37 (hg19) VCF-style: chr6-7579929-A-C.
Other names: c.3506A>C, p.Tyr1169Ser (NM_001008844.3, NM_001319034.2); short protein forms Y1169S.
Identifiers: ClinVar variation 4870129 (VCV004870129.1).
Genomic context (GRCh38, chr6:7,579,696, plus strand): 5'-AAAAGGAGAACCTTGGTTGGCAGAAATTAGAGTCTGAGAAAGCCATCAAGGAGAAGGAGT[A>C]CGAGATTGAAAGGTTGAGGGTTCTACTGCAGGAAGAAGGCACCCGGAAGAGAGAATATGA-3'
Protein context (NP_004406.2, residues 1159-1179): ESEKAIKEKE[Tyr1169Ser]EIERLRVLLQ

ClinVar aggregate classification (germline): Uncertain significance (1 of 4 stars; one submission).

Conditions:
Cardiovascular phenotype. Identifiers: MedGen CN230736.

Submission:

Ambry Genetics
Classification: Uncertain significance for Cardiovascular phenotype. Last evaluated: 2026-04-30. Review status: criteria provided, single submitter. Criteria: Ambry Variant Classification Scheme 2023. Collection method: clinical testing. Allele origin: germline.
Comment: The p.Y1169S variant (also known as c.3506A>C), located in coding exon 23 of the DSP gene, results from an A to C substitution at nucleotide position 3506. The tyrosine at codon 1169 is replaced by serine, an amino acid with dissimilar properties. This amino acid position is not well conserved in available vertebrate species. In addition, the in silico prediction for this alteration is inconclusive. Based on the available evidence, the clinical significance of this variant remains unclear.